The following is an entry in ClinVar:

ClinVar aggregate classification (germline): Uncertain significance. Review status: criteria provided, multiple submitters, no conflicts (2 of 4 stars). 3 submissions from 3 submitters: Uncertain significance (3). Last evaluated 2024-12-06.

Conditions:
Inborn genetic diseases. Identifiers: MedGen C0950123, MeSH D030342.
Cerebellar ataxia. Identifiers: Orphanet 102002, MedGen C0007758, MONDO:0000437.
Spinocerebellar ataxia type 27 (SCA27). Identifiers: Orphanet 98764, MedGen C1836383, MONDO:0012247.

Allele frequency attached by ClinVar (database versions not stated): gnomAD 0.00001; TOPMed 0.00003.
gnomAD v4.1: 12 of 1,609,642 alleles (0.00075%); highest among the groups gnomAD compares: East Asian, 0.0022%; no homozygotes.

Submissions (3):

Molecular Genetics, Royal Melbourne Hospital
Classification: Uncertain significance for Cerebellar ataxia. Last evaluated: 2024-12-06. Review status: criteria provided, single submitter. Criteria: ACMG Guidelines, 2015. Collection method: clinical testing. Allele origin: germline. Inheritance: Autosomal dominant inheritance. Affected: yes.
Comment: This sequence change in FGF14 is predicted to replace proline with leucine at codon 24, p.(Pro24Leu). The proline residue is not located in an annotated domain. There is a moderate physicochemical difference between proline and leucine. The highest population minor allele frequency in the population database gnomAD v4.1 is 0.0008% (10/1,178,548 alleles) in the European (non-Finnish) population, consistent with an adult-onset disease. This variant has been detected in at least two individuals with a phenotype consistent with spinocerebellar ataxia (ClinVar: SCV001367310.2; Royal Melbourne Hospital). Computational evidence is uninformative for the missense substitution (REVEL = 0.320) and predicts no impact on splicing (SpliceAI) for the nucleotide change. Based on the classification scheme RMH Modified ACMG/AMP Guidelines v1.7.0, this variant is classified as a VARIANT OF UNCERTAIN SIGNIFICANCE. Following criteria are met: PM2_Supporting, PS4_Supporting.

Ambry Genetics
Classification: Uncertain significance for Inborn genetic diseases. Last evaluated: 2023-01-10. Review status: criteria provided, single submitter. Criteria: Ambry Variant Classification Scheme 2023. Collection method: clinical testing. Allele origin: germline.

Centre for Mendelian Genomics, University Medical Centre Ljubljana
Classification: Uncertain significance for Spinocerebellar ataxia 27A. Last evaluated: 2019-12-11. Review status: criteria provided, single submitter. Criteria: ACMG Guidelines, 2015. Collection method: clinical testing. Allele origin: unknown. Affected: yes.
Comment: This variant was classified as: Uncertain significance. The available evidence on this variant's pathogenicity is insufficient or conflicting. The following ACMG criteria were applied in classifying this variant: BP4.

NM_004115.4(FGF14):c.71C>T (p.Pro24Leu)

Gene: FGF14 (fibroblast growth factor 14; minus strand). Cytogenetic location: 13q33.1.
Variant type: single nucleotide variant.
Coding change: c.71C>T on transcript NM_004115.4 (MANE Select); coding-DNA position 71, C replaced by T.
Protein change: p.Pro24Leu; replaces proline 24 with leucine.
Molecular consequence: missense variant. On other transcripts: intron variant (21).
Genome position (GRCh38, 1-based): chr13:101,916,575, G>A on the plus strand (C>T on the coding strand, the complement: FGF14 is on the minus strand). VCF-style: chr13-101916575-G-A. GRCh37 (hg19) VCF-style: chr13-102568925-G-A.
Other names: c.53-41279C>T (NM_001321947.2); c.92-41279C>T (NM_001379342.1, NM_001321948.2, NM_001321945.2); c.-59-41279C>T (NM_001321946.2, NM_001321949.1, NM_001321943.1 and 4 more transcripts); c.14-41279C>T (NM_001321938.2, NM_001321940.1, NM_001321933.1); c.209-47747C>T (NM_001321939.2); c.209-41279C>T (NM_175929.3, NM_001321937.2); c.8-41279C>T (NM_001321941.2); c.5-41279C>T (NM_001321944.1, NM_001321936.1, NM_001321932.1); short protein forms P24L.
Identifiers: ClinVar variation 930775 (VCV000930775.6), dbSNP rs757752994, ClinGen allele CA7037293.